The following is an entry in ClinVar:

NM_001844.5(COL2A1):c.4318-130del

Gene: COL2A1 (collagen type II alpha 1 chain; minus strand). Cytogenetic location: 12q13.11.
Variant type: Deletion.
Coding change: c.4318-130del on transcript NM_001844.5 (MANE Select); 130 bases into the intron before coding-DNA position 4318, one base deleted (G; older notation c.4318-130delG).
Molecular consequence: intron variant.
Genome position (GRCh38, 1-based): chr12:47,973,683, C deleted on the plus strand (G on the coding strand, the reverse complement: COL2A1 is on the minus strand). VCF-style (leftmost placement, unchanged base first): chr12-47973682-GC-G. GRCh37 (hg19) VCF-style: chr12-48367465-GC-G.
Other names: c.4111-130del (NM_033150.3).
Identifiers: ClinVar variation 677911 (VCV000677911.1), dbSNP rs139902658, ClinGen allele CA236515681.

ClinVar aggregate classification (germline): Benign (1 of 4 stars; one submission).

Allele frequency attached by ClinVar (database versions not stated): TOPMed 0.04548; gnomAD 0.05269 and 0.05396; gnomAD exomes 0.06552; 1000 Genomes Project 0.97710.

Submission:

GeneDx
Classification: Benign. Last evaluated: 2018-06-14. Review status: criteria provided, single submitter. Criteria: GeneDx Variant Classification (06012015). Collection method: clinical testing. Allele origin: germline. Affected: yes.
Comment: This variant is considered likely benign or benign based on one or more of the following criteria: it is a conservative change, it occurs at a poorly conserved position in the protein, it is predicted to be benign by multiple in silico algorithms, and/or has population frequency not consistent with disease.